The following is an entry in ClinVar:

ClinVar aggregate classification (germline): Uncertain significance (1 of 4 stars; one submission).

Conditions:
Lowe syndrome (OCRL). Also called: LOWE OCULOCEREBRORENAL SYNDROME; PHOSPHATIDYLINOSITOL 4,5-BISPHOSPHATE 5-PHOSPHATASE DEFICIENCY; Oculocerebrorenal Syndrome. Identifiers: Orphanet 534, MedGen C0028860, MONDO:0010645, OMIM 309000.

Submission:

Labcorp Genetics (formerly Invitae), Labcorp
Classification: Uncertain significance for Lowe syndrome. Last evaluated: 2022-06-08. Review status: criteria provided, single submitter. Criteria: Invitae Variant Classification Sherloc (09022015). Collection method: clinical testing. Allele origin: germline.
Comment: This variant has not been reported in the literature in individuals affected with OCRL-related conditions. In summary, the available evidence is currently insufficient to determine the role of this variant in disease. Therefore, it has been classified as a Variant of Uncertain Significance. Algorithms developed to predict the effect of sequence changes on RNA splicing suggest that this variant may disrupt the consensus splice site. Algorithms developed to predict the effect of missense changes on protein structure and function (SIFT, PolyPhen-2, Align-GVGD) all suggest that this variant is likely to be tolerated. This variant is not present in population databases (gnomAD no frequency). This sequence change replaces serine, which is neutral and polar, with leucine, which is neutral and non-polar, at codon 146 of the OCRL protein (p.Ser146Leu).

NM_000276.4(OCRL):c.437C>T (p.Ser146Leu)

Gene: OCRL (OCRL inositol polyphosphate-5-phosphatase; plus strand). Cytogenetic location: Xq26.1.
Variant type: single nucleotide variant.
Coding change: c.437C>T on transcript NM_000276.4 (MANE Select); coding-DNA position 437, C replaced by T.
Protein change: p.Ser146Leu; replaces serine 146 with leucine.
Molecular consequence: missense variant.
Genome position (GRCh38, 1-based): chrX:129,557,948, C>T. VCF-style: chrX-129557948-C-T. GRCh37 (hg19) VCF-style: chrX-128691925-C-T.
Other names: c.440C>T, p.Ser147Leu (NM_001318784.2); c.437C>T, p.Ser146Leu (NM_001587.4); short protein forms S146L, S147L.
Identifiers: ClinVar variation 2003680 (VCV002003680.4), dbSNP rs2521875374, ClinGen allele CA414551239.